The following is an entry in ClinVar:

NM_003906.5(MCM3AP):c.3452G>A (p.Arg1151Gln)

Gene: MCM3AP (minichromosome maintenance complex component 3 associated protein; minus strand). Cytogenetic location: 21q22.3.
Variant type: single nucleotide variant.
Coding change: c.3452G>A on transcript NM_003906.5 (MANE Select); coding-DNA position 3452, G replaced by A.
Protein change: p.Arg1151Gln; replaces arginine 1151 with glutamine.
Molecular consequence: missense variant.
Genome position (GRCh38, 1-based): chr21:46,261,295, C>T on the plus strand (G>A on the coding strand, the complement: MCM3AP is on the minus strand). VCF-style: chr21-46261295-C-T. GRCh37 (hg19) VCF-style: chr21-47681209-C-T.
Other names: short protein forms R1151Q.
Identifiers: ClinVar variation 1918341 (VCV001918341.8), dbSNP rs771330017, ClinGen allele CA10076499.
Genomic context (GRCh38, chr21:46,261,295, plus strand): 5'-CCACACTGAGCTCCTTATTCGGCTGCATGGACAAGACACACTTACCTTTCCTCTTCAGCC[C>T]GCTGCCTCTCCTGCTCCCTTCGCTCTCTTTCCTTAGACACTTCTTCAGCTGCAATGTGCC-3'
Protein context (NP_003897.2, residues 1141-1161): ERERREQERQ[Arg1151Gln]AEEERLKQER

ClinVar aggregate classification (germline): Uncertain significance. Review status: criteria provided, multiple submitters, no conflicts (2 of 4 stars). 2 submissions from 2 submitters: Uncertain significance (2). Last evaluated 2022-03-14.

Conditions:
Peripheral neuropathy, autosomal recessive, with or without impaired intellectual development. Identifiers: MedGen C4748283, MONDO:0029131, OMIM 618124.

Allele frequency attached by ClinVar (database versions not stated): TOPMed 0.00001; ExAC 0.00001; gnomAD 0.00001; gnomAD exomes 0.00001.
gnomAD v4.1: 18 of 1,613,976 alleles (0.0011%); highest among the groups gnomAD compares: Middle Eastern, 0.017%; no homozygotes.

Submissions (2):

Labcorp Genetics (formerly Invitae), Labcorp
Classification: Uncertain significance. Last evaluated: 2022-03-14. Review status: criteria provided, single submitter. Criteria: Invitae Variant Classification Sherloc (09022015). Collection method: clinical testing. Allele origin: germline.
Comment: This sequence change replaces arginine, which is basic and polar, with glutamine, which is neutral and polar, at codon 1151 of the MCM3AP protein (p.Arg1151Gln). This variant is present in population databases (rs771330017, gnomAD 0.0009%). This variant has not been reported in the literature in individuals affected with MCM3AP-related conditions. Algorithms developed to predict the effect of missense changes on protein structure and function output the following: SIFT: "Tolerated"; PolyPhen-2: "Benign"; Align-GVGD: "Class C0". The glutamine amino acid residue is found in multiple mammalian species, which suggests that this missense change does not adversely affect protein function. In summary, the available evidence is currently insufficient to determine the role of this variant in disease. Therefore, it has been classified as a Variant of Uncertain Significance.

Revvity Omics, Revvity
Classification: Uncertain significance for Peripheral neuropathy, autosomal recessive, with or without impaired intellectual development. Last evaluated: 2021-11-25. Review status: criteria provided, single submitter. Criteria: ACMG Guidelines, 2015. Collection method: clinical testing. Allele origin: germline.